The following is an entry in ClinVar:

NM_006767.4(LZTR1):c.688A>G (p.Asn230Asp)

Gene: LZTR1 (leucine zipper like post translational regulator 1; plus strand). Cytogenetic location: 22q11.21.
Variant type: single nucleotide variant.
Coding change: c.688A>G on transcript NM_006767.4 (MANE Select); coding-DNA position 688, A replaced by G.
Protein change: p.Asn230Asp; replaces asparagine 230 with aspartic acid.
Molecular consequence: missense variant.
Genome position (GRCh38, 1-based): chr22:20,990,422, A>G. VCF-style: chr22-20990422-A-G. GRCh37 (hg19) VCF-style: chr22-21344711-A-G.
Other names: short protein forms N230D.
Identifiers: ClinVar variation 3541684 (VCV003541684.1).

ClinVar aggregate classification (germline): Uncertain significance (1 of 4 stars; one submission).

Conditions:
Hereditary cancer-predisposing syndrome. Also called: Hereditary Cancer Syndrome; Hereditary neoplastic syndrome; Tumor predisposition; Neoplastic Syndromes, Hereditary. Identifiers: Orphanet 140162, MedGen C0027672, MeSH D009386, MONDO:0015356.
Cardiovascular phenotype. Identifiers: MedGen CN230736.

Submission:

Ambry Genetics
Classification: Uncertain significance for Cardiovascular phenotype; Hereditary cancer-predisposing syndrome. Last evaluated: 2024-10-28. Review status: criteria provided, single submitter. Criteria: Ambry Variant Classification Scheme 2023. Collection method: clinical testing. Allele origin: germline.
Comment: The p.N230D variant (also known as c.688A>G), located in coding exon 8 of the LZTR1 gene, results from an A to G substitution at nucleotide position 688. The asparagine at codon 230 is replaced by aspartic acid, an amino acid with highly similar properties. This amino acid position is conserved. In addition, this alteration is predicted to be tolerated by in silico analysis. Based on the available evidence, the clinical significance of this variant remains unclear.